The following is an entry in ClinVar:

NM_053025.4(MYLK):c.207C>T (p.Asn69=)

Gene: MYLK (myosin light chain kinase; minus strand). Cytogenetic location: 3q21.1.
Variant type: single nucleotide variant.
Coding change: c.207C>T on transcript NM_053025.4 (MANE Select); coding-DNA position 207, C replaced by T.
Protein change: p.Asn69=; no amino-acid change (asparagine 69 retained).
Molecular consequence: synonymous variant. On other transcripts: intron variant (1).
Genome position (GRCh38, 1-based): chr3:123,752,497, G>A on the plus strand (C>T on the coding strand, the complement: MYLK is on the minus strand). VCF-style: chr3-123752497-G-A. GRCh37 (hg19) VCF-style: chr3-123471344-G-A.
Other names: p.Asn69=; c.207C>T, p.Asn69= (NM_053026.4, NM_053027.4, NM_053028.4); c.-155-12496C>T (NM_001321309.2).
Identifiers: ClinVar variation 262276 (VCV000262276.28), dbSNP rs376457425, ClinGen allele CA068355.

ClinVar aggregate classification (germline): Conflicting classifications of pathogenicity. Review status: criteria provided, conflicting classifications (1 of 4 stars). 10 submissions from 10 submitters: Uncertain significance (1); Benign (4); Likely benign (3). 2 of the submissions do not count toward it. Last evaluated 2026-01-16.

Conditions:
Familial thoracic aortic aneurysm and aortic dissection (TAAD). Also called: Thoracic aortic aneurysms and dissections. Identifiers: Orphanet 91387, MedGen C4707243, MONDO:0019625.
Aortic aneurysm, familial thoracic 7 (AAT7). Also called: AORTIC DISSECTION, FAMILIAL, WITH OR WITHOUT AORTIC ANEURYSM. Identifiers: MedGen C3151077, MONDO:0013418, OMIM 613780.

Allele frequency attached by ClinVar (database versions not stated): gnomAD exomes 0.00032; ExAC 0.00034; ESP Exome Variant Server 0.00008; TOPMed 0.00008; gnomAD 0.00014.
gnomAD v4.1: 340 of 1,613,906 alleles (0.021%); highest among the groups gnomAD compares: South Asian, 0.11%; 5 homozygotes.

Submissions (10):

Labcorp Genetics (formerly Invitae), Labcorp
Classification: Benign for Aortic aneurysm, familial thoracic 7. Last evaluated: 2026-01-16. Review status: criteria provided, single submitter. Criteria: Invitae Variant Classification Sherloc (09022015). Collection method: clinical testing. Allele origin: germline.

Women's Health and Genetics/Laboratory Corporation of America, LabCorp
Classification: Benign. Last evaluated: 2025-11-10. Review status: criteria provided, single submitter. Criteria: LabCorp Variant Classification Summary - May 2015. Collection method: clinical testing. Allele origin: germline.

Mayo Clinic Laboratories, Mayo Clinic
Classification: Benign. Last evaluated: 2024-08-01. Review status: criteria provided, single submitter. Criteria: ACMG Guidelines, 2015. Collection method: clinical testing. Allele origin: germline. Observed: 2 variant alleles.
Comment: BS1, BS2, BP4, BP7

CHEO Genetics Diagnostic Laboratory, Children's Hospital of Eastern Ontario
Classification: Benign for Familial thoracic aortic aneurysm and aortic dissection. Last evaluated: 2022-05-27. Review status: criteria provided, single submitter. Criteria: ACMG Guidelines, 2015. Collection method: clinical testing. Allele origin: germline.

GeneDx
Classification: Likely benign. Last evaluated: 2020-09-17. Review status: criteria provided, single submitter. Criteria: GeneDx Variant Classification Process June 2021. Collection method: clinical testing. Allele origin: germline. Affected: yes.

Illumina Laboratory Services, Illumina
Classification: Uncertain significance for Aortic aneurysm, familial thoracic 7. Last evaluated: 2018-01-12. Review status: criteria provided, single submitter. Criteria: ICSL Variant Classification Criteria 13 December 2019. Collection method: clinical testing. Allele origin: germline.

Ambry Genetics
Classification: Likely benign for Familial thoracic aortic aneurysm and aortic dissection. Last evaluated: 2016-09-23. Review status: criteria provided, single submitter. Criteria: Ambry Variant Classification Scheme 2023. Collection method: clinical testing. Allele origin: germline.

PreventionGenetics, part of Exact Sciences
Classification: Likely benign. Review status: criteria provided, single submitter. Criteria: ACMG Guidelines, 2015. Collection method: clinical testing. Allele origin: germline.

Clinical Genetics DNA and cytogenetics Diagnostics Lab, Erasmus MC, Erasmus Medical Center
Classification: Likely benign. Review status: no assertion criteria provided. Collection method: clinical testing. Allele origin: germline. Affected: yes. Study: VKGL Data-share Consensus. Not counted in ClinVar's aggregate classification.

Genome Diagnostics Laboratory, Amsterdam University Medical Center
Classification: Likely benign. Review status: no assertion criteria provided. Collection method: clinical testing. Allele origin: germline. Affected: yes. Study: VKGL Data-share Consensus. Not counted in ClinVar's aggregate classification.